The following is an entry in ClinVar:

ClinVar aggregate classification (germline): Likely benign (1 of 4 stars; one submission).

Allele frequency attached by ClinVar (database versions not stated): TOPMed 0.00002.

Submission:

GeneDx
Classification: Likely benign. Last evaluated: 2017-06-14. Review status: criteria provided, single submitter. Criteria: GeneDx Variant Classification (06012015). Collection method: clinical testing. Allele origin: germline. Affected: yes.
Comment: This variant is considered likely benign or benign based on one or more of the following criteria: it is a conservative change, it occurs at a poorly conserved position in the protein, it is predicted to be benign by multiple in silico algorithms, and/or has population frequency not consistent with disease.

NM_005431.2(XRCC2):c.-30G>A

Gene: XRCC2 (X-ray repair cross complementing 2; minus strand). Cytogenetic location: 7q36.1.
Variant type: single nucleotide variant.
Coding change: c.-30G>A on transcript NM_005431.2 (MANE Select); 30 bases upstream of the start codon, G replaced by A.
Molecular consequence: 5 prime UTR variant.
Genome position (GRCh38, 1-based): chr7:152,676,109, C>T on the plus strand (G>A on the coding strand, the complement: XRCC2 is on the minus strand). VCF-style: chr7-152676109-C-T. GRCh37 (hg19) VCF-style: chr7-152373194-C-T.
Identifiers: ClinVar variation 518094 (VCV000518094.1), dbSNP rs371060479, ClinGen allele CA4582460.